The following is an entry in ClinVar:

ClinVar aggregate classification (germline): Conflicting classifications of pathogenicity. Review status: criteria provided, conflicting classifications (1 of 4 stars). 10 submissions from 10 submitters: Uncertain significance (8); Likely benign (1). 1 of the submissions does not count toward it. Last evaluated 2025-06-09.

Conditions:
Congenital myopathy with fiber type disproportion. Also called: Congenital fiber-type disproportion myopathy; Congenital fiber-type disproportion. Identifiers: Orphanet 2020, MedGen C0546264, MONDO:0009711. Inheritance: all.
Central core myopathy (CMYO1A). Also called: CONGENITAL MYOPATHY 1A, AUTOSOMAL DOMINANT, WITH SUSCEPTIBILITY TO MALIGNANT HYPERTHERMIA; Central core disease; Myopathy, central fibrillar. Identifiers: Orphanet 597, MedGen C5830701, MONDO:0007294, OMIM 117000.
Congenital multicore myopathy with external ophthalmoplegia (CMYO1B). Also called: Minicore myopathy with external ophthalmoplegia; MULTIMINICORE DISEASE WITH EXTERNAL OPHTHALMOPLEGIA; Congenital myopathy 1B, autosomal recessive; Minicore myopathy; MULTICORE MYOPATHY. Identifiers: Orphanet 598, Orphanet 98905, MedGen C1850674, MONDO:0009712, OMIM 255320, HP:0003789.
King Denborough syndrome (KDS). Identifiers: MedGen C1840365, MONDO:0020485, OMIM 619542.
Malignant hyperthermia, susceptibility to, 1 (MHS1). Also called: Anesthesia related hyperthermia; Malignant hyperpyrexia; Fulminating hyperpyrexia; Pharmacogenic myopathy; Malignant hyperthermia suceptibility 1; RYR1-Related Malignant Hyperthermia Susceptibility. Identifiers: Orphanet 423, MedGen C2930980, MONDO:0007783, OMIM 145600.
RYR1-related disorder. Also called: RYR1-related condition; RYR1-related disorders. Identifiers: MedGen CN239331.
Inborn genetic diseases. Identifiers: MedGen C0950123, MeSH D030342.

Allele frequency attached by ClinVar (database versions not stated): gnomAD 0.00006 and 0.00005; ESP Exome Variant Server 0.00008; ExAC 0.00004; gnomAD exomes 0.00004 and 0.00005; 1000 Genomes Project 30x 0.00016; 1000 Genomes Project 0.00020; TOPMed 0.00005.
gnomAD v4.1: 77 of 1,614,144 alleles (0.0048%); highest among the groups gnomAD compares: Admixed American, 0.0083%; no homozygotes.

Submissions (10):

Color Diagnostics, LLC DBA Color Health
Classification: Likely benign for Malignant hyperthermia, susceptibility to, 1. Last evaluated: 2025-06-09. Review status: criteria provided, single submitter. Criteria: ACMG Guidelines, 2015. Collection method: clinical testing. Allele origin: germline.

Labcorp Genetics (formerly Invitae), Labcorp
Classification: Uncertain significance for RYR1-related disorder. Last evaluated: 2025-01-20. Review status: criteria provided, single submitter. Criteria: Invitae Variant Classification Sherloc (09022015). Collection method: clinical testing. Allele origin: germline.
Comment: This sequence change replaces valine, which is neutral and non-polar, with isoleucine, which is neutral and non-polar, at codon 1148 of the RYR1 protein (p.Val1148Ile). This variant is present in population databases (rs201174268, gnomAD 0.009%). This variant has not been reported in the literature in individuals affected with RYR1-related conditions. ClinVar contains an entry for this variant (Variation ID: 590515). Invitae Evidence Modeling of protein sequence and biophysical properties (such as structural, functional, and spatial information, amino acid conservation, physicochemical variation, residue mobility, and thermodynamic stability) indicates that this missense variant is not expected to disrupt RYR1 protein function with a negative predictive value of 95%. In summary, the available evidence is currently insufficient to determine the role of this variant in disease. Therefore, it has been classified as a Variant of Uncertain Significance.

Blueprint Genetics
Classification: Uncertain significance. Last evaluated: 2024-06-26. Review status: criteria provided, single submitter. Criteria: ACMG Guidelines, 2015. Collection method: clinical testing. Allele origin: germline.

All of Us Research Program, National Institutes of Health
Classification: Uncertain significance for Malignant hyperthermia, susceptibility to, 1. Last evaluated: 2024-01-11. Review status: criteria provided, single submitter. Criteria: ACMG Guidelines, 2015. Collection method: clinical testing. Allele origin: germline. Inheritance: Autosomal dominant inheritance. Observed: 15 variant alleles, 15 heterozygotes.
Comment: This missense variant replaces valine with isoleucine at codon 1148 of the RYR1 protein. Computational prediction suggests that this variant may not impact protein structure and function (internally defined REVEL score threshold <= 0.5, PMID: 27666373). To our knowledge, functional studies have not been reported for this variant. This variant has not been reported in individuals affected with RYR1-related disorders in the literature. This variant has been identified in 16/282862 chromosomes in the general population by the Genome Aggregation Database (gnomAD). The available evidence is insufficient to determine the role of this variant in disease conclusively. Therefore, this variant is classified as a Variant of Uncertain Significance.

This study involves interpretation of variants in research participants for the purpose of population health screening. Participant phenotype was not available at the time of variant classification. Additional details can be found in publication PMID: 35346344, PMCID: PMC8962531

GeneDx
Classification: Uncertain significance. Last evaluated: 2022-04-29. Review status: criteria provided, single submitter. Criteria: GeneDx Variant Classification Process June 2021. Collection method: clinical testing. Allele origin: germline. Affected: yes.
Comment: Not observed at significant frequency in large population cohorts (gnomAD); In silico analysis, which includes protein predictors and evolutionary conservation, supports that this variant does not alter protein structure/function; Has not been previously published as pathogenic or benign to our knowledge

Ambry Genetics
Classification: Uncertain significance for Inborn genetic diseases. Last evaluated: 2021-09-17. Review status: criteria provided, single submitter. Criteria: Ambry Variant Classification Scheme 2023. Collection method: clinical testing. Allele origin: germline.

Fulgent Genetics
Classification: Uncertain significance for Central core myopathy; Malignant hyperthermia, susceptibility to, 1; Congenital myopathy 4A, autosomal dominant; Congenital multicore myopathy with external ophthalmoplegia; King Denborough syndrome. Last evaluated: 2021-08-10. Review status: criteria provided, single submitter. Criteria: ACMG Guidelines, 2015. Collection method: clinical testing. Allele origin: unknown.

Revvity Omics, Revvity
Classification: Uncertain significance. Last evaluated: 2021-05-27. Review status: criteria provided, single submitter. Criteria: ACMG Guidelines, 2015. Collection method: clinical testing. Allele origin: germline.

Broad Center for Mendelian Genomics, Broad Institute of MIT and Harvard
Classification: Uncertain significance. Last evaluated: 2020-01-22. Review status: criteria provided, single submitter. Criteria: ACMG Guidelines, 2015. Collection method: curation. Allele origin: germline.
Comment: The p.Val1148Ile variant in RYR1 has not been previously reported in individuals with RYR1-related diseases in the literature and has been identified in 0.008516% (11/129176) of European (non-Finnish) chromosomes and 0.008516% (3/35438) of Latino chromosomes by the Genome Aggregation Database (gnomAD; dbSNP rs201174268). Please note that RYR1-related diseases have been associated with both dominant and recessive inheritance. Computational prediction tools, including splice predictors, and conservation analyses suggest that this variant may not impact the protein, though this information is not predictive enough to rule out pathogenicity. In summary, the clinical significance of the p.Val1148Ile variant is uncertain. ACMG/AMP Criteria applied: BP4 (Richards 2015).

PreventionGenetics, part of Exact Sciences
Classification: Uncertain significance for RYR1-related condition. Last evaluated: 2024-07-23. Review status: no assertion criteria provided. Collection method: clinical testing. Allele origin: germline. Not counted in ClinVar's aggregate classification.
Comment: The RYR1 c.3442G>A variant is predicted to result in the amino acid substitution p.Val1148Ile. This variant was reported in an individual with autism (Supplementary Data 3, Zhou et al 2022. PubMed ID: 35982159). This variant is reported in 0.0085% of alleles in individuals of European (Non-Finnish) descent in gnomAD. At this time, the clinical significance of this variant is uncertain due to the absence of conclusive functional and genetic evidence.

NM_000540.3(RYR1):c.3442G>A (p.Val1148Ile)

Gene: RYR1 (ryanodine receptor 1; plus strand). Cytogenetic location: 19q13.2.
Variant type: single nucleotide variant.
Coding change: c.3442G>A on transcript NM_000540.3 (MANE Select); coding-DNA position 3442, G replaced by A.
Protein change: p.Val1148Ile; replaces valine 1148 with isoleucine.
Molecular consequence: missense variant.
Genome position (GRCh38, 1-based): chr19:38,469,026, G>A. VCF-style: chr19-38469026-G-A. GRCh37 (hg19) VCF-style: chr19-38959666-G-A.
Other names: c.3442G>A, p.Val1148Ile (NM_001042723.2); c.3442G>A (NM_000540.2); short protein forms V1148I.
Identifiers: ClinVar variation 590515 (VCV000590515.21), dbSNP rs201174268, ClinGen allele CA064845.
Genomic context (GRCh38, chr19:38,469,026, plus strand): 5'-GGCCAGCGCTGGCACTTGGGCAGTGAACCATTTGGGCGCCCCTGGCAGCCGGGCGATGTC[G>A]TTGGCTGTATGATCGACCTCACAGAGAACACCATTATCTTCACCCTCAATGGCGAGGTCC-3'
Protein context (NP_000531.2, residues 1138-1158): FGRPWQPGDV[Val1148Ile]GCMIDLTENT